The following is an entry in ClinVar:

ClinVar aggregate classification (germline): Uncertain significance (1 of 4 stars; one submission).

Conditions:
Pigmentary pallidal degeneration (NBIA1). Also called: Pantothenate Kinase-Associated Neurodegeneration; Neuroaxonal dystrophy, late infantile; Hallervorden-Spatz disease; PKAN NEUROAXONAL DYSTROPHY, JUVENILE-ONSET; HARP SYNDROME; Neurodegeneration with brain iron accumulation 1. Identifiers: Orphanet 157850, MedGen C0018523, MONDO:0009319, OMIM 234200.

gnomAD v4.1: 1 of 1,469,120 alleles (0.000068%); highest among the groups gnomAD compares: South Asian, 0.0014%; no homozygotes.

Submission:

Labcorp Genetics (formerly Invitae), Labcorp
Classification: Uncertain significance for Pigmentary pallidal degeneration. Last evaluated: 2021-08-26. Review status: criteria provided, single submitter. Criteria: Invitae Variant Classification Sherloc (09022015). Collection method: clinical testing. Allele origin: germline.
Comment: This sequence change replaces methionine with leucine at codon 133 of the PANK2 protein (p.Met133Leu). The methionine residue is weakly conserved and there is a small physicochemical difference between methionine and leucine. The frequency data for this variant in the population databases is considered unreliable, as metrics indicate insufficient coverage at this position in the ExAC database. This missense change has been observed in individual(s) with pantothenate kinase-associated neurodegeneration (Invitae). Algorithms developed to predict the effect of missense changes on protein structure and function (SIFT, PolyPhen-2, Align-GVGD) all suggest that this variant is likely to be tolerated. This variant disrupts the p.Met133 amino acid residue in PANK2. Other variant(s) that disrupt this residue have been observed in individuals with PANK2-related conditions (PMID: 24689511, 28881514), which suggests that this may be a clinically significant amino acid residue. In summary, the available evidence is currently insufficient to determine the role of this variant in disease. Therefore, it has been classified as a Variant of Uncertain Significance.

Literature cited by the submitters: PubMed 24689511; PubMed 28881514.

NM_001386393.1(PANK2):c.67A>C (p.Met23Leu)

Genes: PANK2 (pantothenate kinase 2; plus strand), LOC130065345 (ATAC-STARR-seq lymphoblastoid silent region 12635; plus strand). Cytogenetic location: 20p13.
Variant type: single nucleotide variant.
Coding change: c.67A>C on transcript NM_001386393.1 (MANE Select); coding-DNA position 67, A replaced by C.
Protein change: p.Met23Leu; replaces methionine 23 with leucine.
Molecular consequence: missense variant. On other transcripts: 5 prime UTR variant (1), non-coding transcript variant (1), intron variant (1).
Genome position (GRCh38, 1-based): chr20:3,889,497, A>C. VCF-style: chr20-3889497-A-C. GRCh37 (hg19) VCF-style: chr20-3870144-A-C.
Other names: c.-645A>C (NM_001324191.2); c.397A>C, p.Met133Leu (NM_001324192.1, NM_153638.4); c.-246+593A>C (NM_024960.6); short protein forms M133L, M23L.
Identifiers: ClinVar variation 1490303 (VCV001490303.5), dbSNP rs2146804825, ClinGen allele CA408140874.